The following is an entry in ClinVar:

ClinVar aggregate classification (germline): Uncertain significance (1 of 4 stars; one submission).

Conditions:
Nephrolithiasis/nephrocalcinosis. Identifiers: MedGen CN580796.

gnomAD v4.1: 2 of 1,614,188 alleles (0.00012%); highest among the groups gnomAD compares: Non-Finnish European, 0.00017%; no homozygotes.

Submission:

Ambry Genetics
Classification: Uncertain significance for Nephrolithiasis/nephrocalcinosis. Last evaluated: 2022-03-19. Review status: criteria provided, single submitter. Criteria: Ambry Variant Classification Scheme 2023. Collection method: clinical testing. Allele origin: germline.
Comment: The p.S1061T variant (also known as c.3182G>C), located in coding exon 6 of the CASR gene, results from a G to C substitution at nucleotide position 3182. The serine at codon 1061 is replaced by threonine, an amino acid with similar properties. This amino acid position is conserved. In addition, this alteration is predicted to be tolerated by in silico analysis. Since supporting evidence is limited at this time, the clinical significance of this alteration remains unclear.

NM_000388.4(CASR):c.3182G>C (p.Ser1061Thr)

Gene: CASR (calcium sensing receptor; plus strand). Cytogenetic location: 3q21.1.
Variant type: single nucleotide variant.
Coding change: c.3182G>C on transcript NM_000388.4 (MANE Select); coding-DNA position 3182, G replaced by C.
Protein change: p.Ser1061Thr; replaces serine 1061 with threonine.
Molecular consequence: missense variant.
Genome position (GRCh38, 1-based): chr3:122,285,136, G>C. VCF-style: chr3-122285136-G-C. GRCh37 (hg19) VCF-style: chr3-122003983-G-C.
Other names: c.3212G>C, p.Ser1071Thr (NM_001178065.2); short protein forms S1061T, S1071T.
Identifiers: ClinVar variation 1728555 (VCV001728555.2), dbSNP rs2074954983, ClinGen allele CA354161729.